The following is an entry in ClinVar:

ClinVar aggregate classification (germline): Uncertain significance. Review status: criteria provided, multiple submitters, no conflicts (2 of 4 stars). 2 submissions from 2 submitters: Uncertain significance (2). Last evaluated 2022-06-24.

Conditions:
Multicentric osteolysis nodulosis arthropathy spectrum. Identifiers: Orphanet 3460, Orphanet 371428, MedGen C1850155, MONDO:0018298.

Allele frequency attached by ClinVar (database versions not stated): gnomAD 0.00004; TOPMed 0.00004; ESP Exome Variant Server 0.00023.

Submissions (2):

Labcorp Genetics (formerly Invitae), Labcorp
Classification: Uncertain significance. Last evaluated: 2022-06-24. Review status: criteria provided, single submitter. Criteria: Invitae Variant Classification Sherloc (09022015). Collection method: clinical testing. Allele origin: germline.
Comment: This sequence change replaces arginine, which is basic and polar, with glutamine, which is neutral and polar, at codon 495 of the MMP2 protein (p.Arg495Gln). This variant is present in population databases (rs144755357, gnomAD 0.009%). This variant has not been reported in the literature in individuals affected with MMP2-related conditions. ClinVar contains an entry for this variant (Variation ID: 888306). Algorithms developed to predict the effect of missense changes on protein structure and function are either unavailable or do not agree on the potential impact of this missense change (SIFT: "Tolerated"; PolyPhen-2: "Possibly Damaging"; Align-GVGD: "Class C0"). Algorithms developed to predict the effect of sequence changes on RNA splicing suggest that this variant may create or strengthen a splice site. In summary, the available evidence is currently insufficient to determine the role of this variant in disease. Therefore, it has been classified as a Variant of Uncertain Significance.

Illumina Laboratory Services, Illumina
Classification: Uncertain significance for Multicentric osteolysis, nodulosis, and arthropathy. Last evaluated: 2017-04-27. Review status: criteria provided, single submitter. Criteria: ICSL Variant Classification Criteria 13 December 2019. Collection method: clinical testing. Allele origin: germline.

NM_004530.6(MMP2):c.1484G>A (p.Arg495Gln)

Gene: MMP2 (matrix metallopeptidase 2; plus strand). Cytogenetic location: 16q12.2.
Variant type: single nucleotide variant.
Coding change: c.1484G>A on transcript NM_004530.6 (MANE Select); coding-DNA position 1484, G replaced by A.
Protein change: p.Arg495Gln; replaces arginine 495 with glutamine.
Molecular consequence: missense variant.
Genome position (GRCh38, 1-based): chr16:55,496,937, G>A. VCF-style: chr16-55496937-G-A. GRCh37 (hg19) VCF-style: chr16-55530849-G-A.
Other names: c.1334G>A, p.Arg445Gln (NM_001127891.3); c.1256G>A, p.Arg419Gln (NM_001302508.1, NM_001302509.2, NM_001302510.2); short protein forms R445Q, R495Q, R419Q.
Identifiers: ClinVar variation 888306 (VCV000888306.10), dbSNP rs144755357, ClinGen allele CA8060469.
Genomic context (GRCh38, chr16:55,496,937, plus strand): 5'-GCAGGGTGACTGAAGATGTGGTTTCCTGTGCCCCCTTGCCTCCTGCCAGGTTCATTTGGC[G>A]GACTGTGACGCCACGTGACAAGCCCATGGGGCCCCTGCTGGTGGCCACATTCTGGCCTGA-3'
Protein context (NP_004521.1, residues 485-505): IFFFKDRFIW[Arg495Gln]TVTPRDKPMG